The following is an entry in ClinVar:

ClinVar aggregate classification (germline): Likely benign (1 of 4 stars; one submission).

Submission:

CeGaT Center for Human Genetics Tuebingen
Classification: Likely benign. Last evaluated: 2026-06-01. Review status: criteria provided, single submitter. Criteria: CeGaT Center For Human Genetics Tuebingen Variant Classification Criteria Version 2. Collection method: clinical testing. Allele origin: germline. Affected: yes. Observed: 1 variant allele.
Comment: ATRX: PM2:Supporting, BP4, BP7

NM_000489.6(ATRX):c.4044T>C (p.Ser1348=)

Gene: ATRX (ATRX chromatin remodeler; minus strand). Cytogenetic location: Xq21.1.
Variant type: single nucleotide variant.
Coding change: c.4044T>C on transcript NM_000489.6 (MANE Select); coding-DNA position 4044, T replaced by C.
Protein change: p.Ser1348=; no amino-acid change (serine 1348 retained).
Molecular consequence: synonymous variant.
Genome position (GRCh38, 1-based): chrX:77,663,458, A>G on the plus strand (T>C on the coding strand, the complement: ATRX is on the minus strand). VCF-style: chrX-77663458-A-G. GRCh37 (hg19) VCF-style: chrX-76918947-A-G.
Other names: c.3930T>C, p.Ser1310= (NM_138270.5).
Identifiers: ClinVar variation 4875063 (VCV004875063.2).
Genomic context (GRCh38, chrX:77,663,458, plus strand): 5'-GCCTTTGACTTCTTTATGCTCTTTAGGCTTTGTCTTTTTTTCTTCTCCAGATTCTCCGTC[A>G]CTCACAGTCAATTTGTGCCGCAAAAGCCTATGTCTGTATCTTGGCTTCTTAGATTCTTCA-3'
Protein context (NP_000480.3, residues 1338-1358): HRLLRHKLTV[Ser1348=]DGESGEEKKT